The following is an entry in ClinVar:

ClinVar aggregate classification (germline): Uncertain significance (1 of 4 stars; one submission).

Conditions:
Atrioventricular septal defect 5 (AVSD5). Identifiers: MedGen C3280939, MONDO:0013769, OMIM 614474.

Submission:

Labcorp Genetics (formerly Invitae), Labcorp
Classification: Uncertain significance for Atrioventricular septal defect 5. Last evaluated: 2021-04-19. Review status: criteria provided, single submitter. Criteria: Invitae Variant Classification Sherloc (09022015). Collection method: clinical testing. Allele origin: germline.
Comment: This sequence change replaces proline with histidine at codon 233 of the GATA6 protein (p.Pro233His). The proline residue is weakly conserved and there is a moderate physicochemical difference between proline and histidine. The frequency data for this variant in the population databases is considered unreliable, as metrics indicate insufficient coverage at this position in the ExAC database. In summary, the available evidence is currently insufficient to determine the role of this variant in disease. Therefore, it has been classified as a Variant of Uncertain Significance. Algorithms developed to predict the effect of missense changes on protein structure and function are either unavailable or do not agree on the potential impact of this missense change (SIFT: "Deleterious"; PolyPhen-2: "Probably Damaging"; Align-GVGD: "Class C0"). This variant has not been reported in the literature in individuals with GATA6-related conditions.

NM_005257.6(GATA6):c.698C>A (p.Pro233His)

Gene: GATA6 (GATA binding protein 6; plus strand). Cytogenetic location: 18q11.2.
Variant type: single nucleotide variant.
Coding change: c.698C>A on transcript NM_005257.6 (MANE Select); coding-DNA position 698, C replaced by A.
Protein change: p.Pro233His; replaces proline 233 with histidine.
Molecular consequence: missense variant.
Genome position (GRCh38, 1-based): chr18:22,171,842, C>A. VCF-style: chr18-22171842-C-A. GRCh37 (hg19) VCF-style: chr18-19751803-C-A.
Other names: short protein forms P233H.
Identifiers: ClinVar variation 1346843 (VCV001346843.8), dbSNP rs2143277046, ClinGen allele CA401800521.
Genomic context (GRCh38, chr18:22,171,842, plus strand): 5'-CCAACCACGCGGGCGGCGCGGGCGCGCACCCCGGCTGGCCTCAGGCCTCGGCCGACAGCC[C>A]TCCATACGGCAGCGGAGGCGGCGCGGCTGGCGGCGGGGCCGCGGGGCCTGGCGGCGCTGG-3'
Protein context (NP_005248.2, residues 223-243): PGWPQASADS[Pro233His]PYGSGGGAAG